The following is an entry in ClinVar:

ClinVar aggregate classification (germline): Uncertain significance. Review status: criteria provided, multiple submitters, no conflicts (2 of 4 stars). 3 submissions from 3 submitters: Uncertain significance (3). Last evaluated 2024-01-14.

Conditions:
Cardiovascular phenotype. Identifiers: MedGen CN230736.
Hypoalphalipoproteinemia, primary, 2. Also called: HIGH DENSITY LIPOPROTEIN DEFICIENCY; HYPOALPHALIPOPROTEINEMIA, PRIMARY, 2, AUTOSOMAL RECESSIVE. Identifiers: MedGen C5551172, MONDO:0032766, OMIM 618463.
Familial amyloid polyneuropathy, Iowa type (AMYLD3). Also called: Familial amyloid polyneuropathy type III; AMYLOIDOSIS, HEREDITARY SYSTEMIC 3; AMYLOIDOSIS, IOWA TYPE; AMYLOIDOSIS, VAN ALLEN TYPE; AMYLOIDOSIS, TYPE III; AMYLOIDOSIS, TYPE IV. Identifiers: MedGen C4551500, MONDO:0971008, OMIM 620657.
Hypoalphalipoproteinemia, primary, 2, intermediate. Also called: HYPOALPHALIPOPROTEINEMIA, PRIMARY, 2, AUTOSOMAL DOMINANT. Identifiers: MedGen C5677030, MONDO:0859238, OMIM 619836.

Allele frequency attached by ClinVar (database versions not stated): gnomAD exomes below 0.00001; ExAC 0.00001.
gnomAD v4.1: 5 of 1,613,098 alleles (0.00031%); highest among the groups gnomAD compares: Non-Finnish European, 0.00034%; no homozygotes.

Submissions (3):

Fulgent Genetics
Classification: Uncertain significance for Hypoalphalipoproteinemia, primary, 2; Hypoalphalipoproteinemia, primary, 2, intermediate; Familial amyloid polyneuropathy, Iowa type. Last evaluated: 2024-01-14. Review status: criteria provided, single submitter. Criteria: ACMG Guidelines, 2015. Collection method: clinical testing. Allele origin: germline.

Ambry Genetics
Classification: Uncertain significance for Cardiovascular phenotype. Last evaluated: 2022-05-24. Review status: criteria provided, single submitter. Criteria: Ambry Variant Classification Scheme 2023. Collection method: clinical testing. Allele origin: germline.
Comment: The p.V251D variant (also known as c.752T>A), located in coding exon 3 of the APOA1 gene, results from a T to A substitution at nucleotide position 752. The valine at codon 251 is replaced by aspartic acid, an amino acid with highly dissimilar properties. This amino acid position is conserved. In addition, this alteration is predicted to be tolerated by in silico analysis. Since supporting evidence is limited at this time, the clinical significance of this alteration remains unclear.

Women's Health and Genetics/Laboratory Corporation of America, LabCorp
Classification: Uncertain significance. Last evaluated: 2021-09-08. Review status: criteria provided, single submitter. Criteria: LabCorp Variant Classification Summary - May 2015. Collection method: clinical testing. Allele origin: germline.
Comment: Variant summary: APOA1 c.752T>A (p.Val251Asp) results in a non-conservative amino acid change in the encoded protein sequence. Four of five in-silico tools predict a benign effect of the variant on protein function. The variant allele was found at a frequency of 4e-06 in 249530 control chromosomes (gnomAD). The available data on variant occurrences in the general population are insufficient to allow any conclusion about variant significance. To our knowledge, no occurrence of c.752T>A in individuals affected with Cardiomyopathy and no experimental evidence demonstrating its impact on protein function have been reported. No clinical diagnostic laboratories have submitted clinical-significance assessments for this variant to ClinVar after 2014. Based on the evidence outlined above, the variant was classified as uncertain significance.

NM_000039.3(APOA1):c.752T>A (p.Val251Asp)

Gene: APOA1 (apolipoprotein A1; minus strand). Cytogenetic location: 11q23.3.
Variant type: single nucleotide variant.
Coding change: c.752T>A on transcript NM_000039.3 (MANE Select); coding-DNA position 752, T replaced by A.
Protein change: p.Val251Asp; replaces valine 251 with aspartic acid.
Molecular consequence: missense variant.
Genome position (GRCh38, 1-based): chr11:116,835,860, A>T on the plus strand (T>A on the coding strand, the complement: APOA1 is on the minus strand). VCF-style: chr11-116835860-A-T. GRCh37 (hg19) VCF-style: chr11-116706576-A-T.
Other names: c.752T>A, p.Val251Asp (NM_001318017.2, NM_001318018.2); c.425T>A, p.Val142Asp (NM_001318021.2); short protein forms V142D, V251D.
Identifiers: ClinVar variation 1301313 (VCV001301313.4), dbSNP rs760566805, ClinGen allele CA6289746.